The following is an entry in ClinVar:

NM_078629.4(MSL3):c.890G>A (p.Ser297Asn)

Gene: MSL3 (MSL complex subunit 3; plus strand). Cytogenetic location: Xp22.2.
Variant type: single nucleotide variant.
Coding change: c.890G>A on transcript NM_078629.4 (MANE Select); coding-DNA position 890, G replaced by A.
Protein change: p.Ser297Asn; replaces serine 297 with asparagine.
Molecular consequence: missense variant.
Genome position (GRCh38, 1-based): chrX:11,763,920, G>A. VCF-style: chrX-11763920-G-A. GRCh37 (hg19) VCF-style: chrX-11782039-G-A.
Other names: c.854G>A, p.Ser285Asn (NM_001193270.2); c.443G>A, p.Ser148Asn (NM_001282174.1); c.392G>A, p.Ser131Asn (NM_006800.4); c.890G>A, p.Ser297Asn (NM_078628.2); short protein forms S131N, S148N, S285N, S297N.
Identifiers: ClinVar variation 1309692 (VCV001309692.3), dbSNP rs919051113, ClinGen allele CA326720577.
Genomic context (GRCh38, chrX:11,763,920, plus strand): 5'-ATGAACAAGCTCAGTATAAAAAGGTGACTTCGTCTAAATTTTTTCTTCCAATTAAGGAAA[G>A]TGCCACAAGCACTAACAGGTAAGTTATATAGCCTGCACTTTCACCCTCACATGTCAGCAG-3'
Protein context (NP_523353.2, residues 287-307): SSKFFLPIKE[Ser297Asn]ATSTNRSQEE

ClinVar aggregate classification (germline): Uncertain significance (1 of 4 stars; one submission).

Allele frequency attached by ClinVar (database versions not stated): gnomAD 0.00001.
gnomAD v4.1: 1 of 1,207,390 alleles (0.000083%); highest among the groups gnomAD compares: African/African-American, 0.0017%; no homozygotes.

Submission:

GeneDx
Classification: Uncertain significance. Last evaluated: 2023-03-21. Review status: criteria provided, single submitter. Criteria: GeneDx Variant Classification Process June 2021. Collection method: clinical testing. Allele origin: germline. Affected: yes.
Comment: In silico analysis, which includes protein predictors and evolutionary conservation, supports that this variant does not alter protein structure/function; Has not been previously published as pathogenic or benign to our knowledge